The following is an entry in ClinVar:

ClinVar aggregate classification (germline): Pathogenic (1 of 4 stars; one submission).

Conditions:
Neurofibromatosis, type 1 (NF1). Also called: Peripheral type neurofibromatosis; NEUROFIBROMATOSIS, TYPE I, SOMATIC; Neurofibromatosis, type I; VON RECKLINGHAUSEN DISEASE. Identifiers: Orphanet 636, MedGen C0027831, MONDO:0018975, OMIM 162200. Disease mechanism: loss of function.

Submission:

Labcorp Genetics (formerly Invitae), Labcorp
Classification: Pathogenic for Neurofibromatosis, type 1. Last evaluated: 2021-11-23. Review status: criteria provided, single submitter. Criteria: Invitae Variant Classification Sherloc (09022015). Collection method: clinical testing. Allele origin: germline.
Comment: For these reasons, this variant has been classified as Pathogenic. This variant has not been reported in the literature in individuals affected with NF1-related conditions. This variant is not present in population databases (gnomAD no frequency). This sequence change creates a premature translational stop signal (p.Phe394Lysfs*9) in the NF1 gene. It is expected to result in an absent or disrupted protein product. Loss-of-function variants in NF1 are known to be pathogenic (PMID: 10712197, 23913538).

Literature cited by the submitters: PubMed 10712197; PubMed 23913538.

NM_001042492.3(NF1):c.1157_1178dup (p.Phe394fs)

Gene: NF1 (neurofibromin 1; plus strand). Cytogenetic location: 17q11.2.
Variant type: Duplication.
Coding change: c.1157_1178dup on transcript NM_001042492.3 (MANE Select); coding-DNA positions 1157 to 1178, 22 bases duplicated (TAAGCCCTCACAACAACCAACA).
Protein change: p.Phe394fs; shifts the reading frame from phenylalanine 394.
Molecular consequence: frameshift variant.
Genome position (GRCh38, 1-based): chr17:31,201,131-31,201,152, TAAGCCCTCACAACAACCAACA duplicated; duplicating any 22 consecutive bases within chr17:31,201,130-31,201,152 gives the same sequence; the c. name uses the placement nearest the transcript's 3' end. VCF-style (leftmost placement, unchanged base first): chr17-31201129-T-TATAAGCCCTCACAACAACCAAC. GRCh37 (hg19) VCF-style: chr17-29528147-T-TATAAGCCCTCACAACAACCAAC.
Other names: c.1157_1178dup, p.Phe394Lysfs (NM_000267.4); c.1157_1178dup, p.Phe394fs (NM_001128147.3); short protein forms F394fs.
Identifiers: ClinVar variation 2132017 (VCV002132017.4), dbSNP rs2544797358, ClinGen allele CA2580092930.